The following is an entry in ClinVar:

ClinVar aggregate classification (germline): Uncertain significance (1 of 4 stars; one submission).

Conditions:
Primary ciliary dyskinesia. Also called: Ciliary dyskinesia. Identifiers: Orphanet 244, MedGen C0008780, MONDO:0016575, HP:0012265.

Allele frequency attached by ClinVar (database versions not stated): gnomAD exomes 0.00001; TOPMed 0.00003; gnomAD 0.00004; ExAC below 0.00001.
gnomAD v4.1: 95 of 1,538,718 alleles (0.0062%); highest among the groups gnomAD compares: Non-Finnish European, 0.0075%; no homozygotes.

Submission:

Labcorp Genetics (formerly Invitae), Labcorp
Classification: Uncertain significance for Primary ciliary dyskinesia. Last evaluated: 2022-09-01. Review status: criteria provided, single submitter. Criteria: Invitae Variant Classification Sherloc (09022015). Collection method: clinical testing. Allele origin: germline.
Comment: This sequence change replaces arginine, which is basic and polar, with cysteine, which is neutral and slightly polar, at codon 282 of the DNAAF3 protein (p.Arg282Cys). The frequency data for this variant in the population databases is considered unreliable, as metrics indicate poor data quality at this position in the gnomAD database. This variant has not been reported in the literature in individuals affected with DNAAF3-related conditions. ClinVar contains an entry for this variant (Variation ID: 410294). Algorithms developed to predict the effect of missense changes on protein structure and function are either unavailable or do not agree on the potential impact of this missense change (SIFT: "Tolerated"; PolyPhen-2: "Possibly Damaging"; Align-GVGD: "Class C15"). In summary, the available evidence is currently insufficient to determine the role of this variant in disease. Therefore, it has been classified as a Variant of Uncertain Significance.

NM_001256715.2(DNAAF3):c.640C>T (p.Arg214Cys)

Genes: DNAAF3-AS1 (DNAAF3 antisense RNA 1; plus strand), DNAAF3 (dynein axonemal assembly factor 3; minus strand). Cytogenetic location: 19q13.42.
Variant type: single nucleotide variant.
Coding change: c.640C>T on transcript NM_001256715.2 (MANE Select); coding-DNA position 640, C replaced by T.
Protein change: p.Arg214Cys; replaces arginine 214 with cysteine.
Molecular consequence: missense variant.
Genome position (GRCh38, 1-based): chr19:55,161,666, G>A on the plus strand (C>T on the coding strand, the complement: DNAAF3 is on the minus strand). VCF-style: chr19-55161666-G-A. GRCh37 (hg19) VCF-style: chr19-55673034-G-A.
Other names: c.478C>T, p.Arg160Cys (NM_001256716.2); c.781C>T, p.Arg261Cys (NM_178837.4); c.844C>T, p.Arg282Cys (NM_001256714.1); short protein forms R282C, R261C, R160C, R214C.
Identifiers: ClinVar variation 410294 (VCV000410294.6), dbSNP rs761550989, ClinGen allele CA9668117.